The following is an entry in ClinVar:

ClinVar aggregate classification (germline): Pathogenic (1 of 4 stars; one submission).

Conditions:
Nemaline myopathy 2 (NEM2). Also called: Nemaline myopathy 2, autosomal recessive. Identifiers: MedGen C1850569, MONDO:0009725, OMIM 256030.

Submission:

Labcorp Genetics (formerly Invitae), Labcorp
Classification: Pathogenic for Nemaline myopathy 2. Last evaluated: 2023-01-24. Review status: criteria provided, single submitter. Criteria: Invitae Variant Classification Sherloc (09022015). Collection method: clinical testing. Allele origin: germline.
Comment: For these reasons, this variant has been classified as Pathogenic. This variant has not been reported in the literature in individuals affected with NEB-related conditions. This variant is not present in population databases (gnomAD no frequency). This sequence change creates a premature translational stop signal (p.Gln473*) in the NEB gene. It is expected to result in an absent or disrupted protein product. Loss-of-function variants in NEB are known to be pathogenic (PMID: 25205138).

Literature cited by the submitters: PubMed 25205138.

NM_001164508.2(NEB):c.1417C>T (p.Gln473Ter)

Gene: NEB (nebulin; minus strand). Cytogenetic location: 2q23.3.
Variant type: single nucleotide variant.
Coding change: c.1417C>T on transcript NM_001164508.2 (MANE Select); coding-DNA position 1417, C replaced by T.
Protein change: p.Gln473Ter; replaces glutamine 473 with a stop codon.
Molecular consequence: nonsense.
Genome position (GRCh38, 1-based): chr2:151,697,201, G>A on the plus strand (C>T on the coding strand, the complement: NEB is on the minus strand). VCF-style: chr2-151697201-G-A. GRCh37 (hg19) VCF-style: chr2-152553715-G-A.
Other names: c.1417C>T, p.Gln473Ter (NM_001164507.2, NM_001271208.2, NM_004543.5); short protein forms Q473*.
Identifiers: ClinVar variation 2831495 (VCV002831495.3), dbSNP rs2552269917, ClinGen allele CA348825408.
Genomic context (GRCh38, chr2:151,697,201, plus strand): 5'-GACTTACGTCTTTACACTGATCTAGTTTCTTAATTGCTTCATATTCTTGAGTTATGGTCT[G>A]AGGGAAGAAGCCTTTGCCTCTGTCTTCTTCGTATTCTGCTTTGTAGTTTTTCTATGAGGA-3'